The following is an entry in ClinVar:

ClinVar aggregate classification (germline): Uncertain significance (1 of 4 stars; one submission).

gnomAD v4.1: 1 of 1,598,440 alleles (0.000063%); no homozygotes.

Submission:

CeGaT Center for Human Genetics Tuebingen
Classification: Uncertain significance. Last evaluated: 2024-04-01. Review status: criteria provided, single submitter. Criteria: CeGaT Center For Human Genetics Tuebingen Variant Classification Criteria Version 2. Collection method: clinical testing. Allele origin: germline. Affected: yes. Observed: 1 variant allele.
Comment: EXT2: PM2, PP3

NM_207122.2(EXT2):c.1173+14154C>T

Gene: EXT2 (exostosin glycosyltransferase 2; plus strand). Cytogenetic location: 11p11.2.
Variant type: single nucleotide variant.
Coding change: c.1173+14154C>T on transcript NM_207122.2 (MANE Select); 14154 bases into the intron after coding-DNA position 1173, C replaced by T.
Molecular consequence: intron variant. On other transcripts: missense variant (1).
Genome position (GRCh38, 1-based): chr11:44,144,292, C>T. VCF-style: chr11-44144292-C-T. GRCh37 (hg19) VCF-style: chr11-44165842-C-T.
Other names: c.1219C>T, p.His407Tyr (NM_001178083.3); c.1173+14154C>T (NM_001389630.1, NM_001389628.1); c.1272+14154C>T (NM_000401.3); short protein forms H407Y.
Identifiers: ClinVar variation 3234693 (VCV003234693.20), dbSNP rs2135064908, ClinGen allele CA380172061.
Genomic context (GRCh38, chr11:44,144,292, plus strand): 5'-CAATTCACCTTTCAGCTCTTCATGGAACCAGCCAGGAGAGAGAACTGGTCAGCTGCTAAT[C>T]ACCAAATGAACTCCCTGATCTGGCCTAGGGAACAGTGGGATTCACAGGCATGGGTGACTT-3'